The following is an entry in ClinVar:

NM_138694.4(PKHD1):c.10185dup (p.Tyr3396fs)

Gene: PKHD1 (PKHD1 ciliary IPT domain containing fibrocystin/polyductin; minus strand). Cytogenetic location: 6p12.3.
Variant type: Duplication.
Coding change: c.10185dup on transcript NM_138694.4 (MANE Select); coding-DNA position 10185, one base duplicated (A; older notation c.10185dupA).
Protein change: p.Tyr3396fs; shifts the reading frame from tyrosine 3396.
Molecular consequence: frameshift variant.
Genome position (GRCh38, 1-based): chr6:51,659,941, T duplicated on the plus strand (A on the coding strand, the reverse complement: PKHD1 is on the minus strand). VCF-style (leftmost placement, unchanged base first): chr6-51659940-A-AT. GRCh37 (hg19) VCF-style: chr6-51524738-A-AT.
Other names: short protein forms Y3396fs.
Identifiers: ClinVar variation 4816535 (VCV004816535.1).

ClinVar aggregate classification (germline): Likely pathogenic (1 of 4 stars; one submission).

Conditions:
Autosomal recessive polycystic kidney disease (ARPKD). Also called: AR polycystic kidney disease. Identifiers: Orphanet 731, Orphanet 8378, MedGen C0085548, MeSH D017044, MONDO:0009889.

Submission:

Natera, Inc.
Classification: Likely pathogenic for Autosomal recessive polycystic kidney disease. Last evaluated: 2024-08-02. Review status: criteria provided, single submitter. Criteria: Natera Variant Classification Schema (03/2026). Collection method: clinical testing. Allele origin: germline.
Comment: The c.10185dup variant in PKHD1 is a frameshift variant predicted to shift the reading frame beginning at codon 3396 and leads to a stop codon 14 codons downstream. This variant is expected to result in nonsense mediated decay, truncation, or a dysfunctional protein product. This variant is rare in the general population with a frequency below the threshold expected for the associated phenotype(s). Given the available evidence, this variant is classified as Likely Pathogenic.